The following is an entry in ClinVar:

NM_005869.4(CWC27):c.284G>A (p.Arg95Gln)

Gene: CWC27 (CWC27 spliceosome associated cyclophilin; plus strand). Cytogenetic location: 5q12.3.
Variant type: single nucleotide variant.
Coding change: c.284G>A on transcript NM_005869.4 (MANE Select); coding-DNA position 284, G replaced by A.
Protein change: p.Arg95Gln; replaces arginine 95 with glutamine.
Molecular consequence: missense variant.
Genome position (GRCh38, 1-based): chr5:64,783,867, G>A. VCF-style: chr5-64783867-G-A. GRCh37 (hg19) VCF-style: chr5-64079694-G-A.
Other names: c.284G>A, p.Arg95Gln (NM_001297644.1, NM_001297645.2, NM_001318000.2 and 1 more transcripts); short protein forms R95Q.
Identifiers: ClinVar variation 1431876 (VCV001431876.5), dbSNP rs370669132, ClinGen allele CA119824331.
Genomic context (GRCh38, chr5:64,783,867, plus strand): 5'-GACATTCACTAAATCTTTTTACATTTCAGGATGAATTTCATTCACGGTTGCGTTTTAATC[G>A]GAGAGGACTGGTTGCCATGGCAAATGCTGGTTCTCATGATAATGGCAGCCAGTTTTTCTT-3'
Protein context (NP_005860.2, residues 85-105): DEFHSRLRFN[Arg95Gln]RGLVAMANAG

ClinVar aggregate classification (germline): Uncertain significance. Review status: criteria provided, multiple submitters, no conflicts (2 of 4 stars). 2 submissions from 2 submitters: Uncertain significance (2). Last evaluated 2024-07-01.

Allele frequency attached by ClinVar (database versions not stated): gnomAD 0.00002 and 0.00003; TOPMed 0.00002; gnomAD exomes 0.00003 and 0.00004; ESP Exome Variant Server 0.00008.
gnomAD v4.1: 66 of 1,591,394 alleles (0.0041%); highest among the groups gnomAD compares: Middle Eastern, 0.033%; no homozygotes.

Submissions (3):

Blueprint Genetics
Classification: Uncertain significance. Last evaluated: 2024-07-01. Review status: criteria provided, single submitter. Criteria: ACMG Guidelines, 2015. Collection method: clinical testing. Allele origin: germline.

Labcorp Genetics (formerly Invitae), Labcorp
Classification: Uncertain significance. Last evaluated: 2022-08-22. Review status: criteria provided, single submitter. Criteria: Invitae Variant Classification Sherloc (09022015). Collection method: clinical testing. Allele origin: germline.
Comment: This sequence change replaces arginine, which is basic and polar, with glutamine, which is neutral and polar, at codon 95 of the CWC27 protein (p.Arg95Gln). This variant is present in population databases (rs370669132, gnomAD 0.007%). This variant has not been reported in the literature in individuals affected with CWC27-related conditions. ClinVar contains an entry for this variant (Variation ID: 1431876). Algorithms developed to predict the effect of missense changes on protein structure and function (SIFT, PolyPhen-2, Align-GVGD) all suggest that this variant is likely to be disruptive. Algorithms developed to predict the effect of sequence changes on RNA splicing suggest that this variant may create or strengthen a splice site. In summary, the available evidence is currently insufficient to determine the role of this variant in disease. Therefore, it has been classified as a Variant of Uncertain Significance.

Dr. Peter K. Rogan Lab, Western University
No classification provided (evidence only). Condition: Uterine corpus endometrial carcinoma. Review status: no classification provided. Collection method: in vitro. Allele origin: not applicable. Functional consequence: retained intron. Not counted in ClinVar's aggregate classification.